The following is an entry in ClinVar:

NM_001042492.3(NF1):c.3238C>T (p.Leu1080=)

Gene: NF1 (neurofibromin 1; plus strand). Cytogenetic location: 17q11.2.
Variant type: single nucleotide variant.
Coding change: c.3238C>T on transcript NM_001042492.3 (MANE Select); coding-DNA position 3238, C replaced by T.
Protein change: p.Leu1080=; no amino-acid change (leucine 1080 retained).
Molecular consequence: synonymous variant.
Genome position (GRCh38, 1-based): chr17:31,232,113, C>T. VCF-style: chr17-31232113-C-T. GRCh37 (hg19) VCF-style: chr17-29559131-C-T.
Other names: c.3238C>T, p.Leu1080= (NM_000267.4).
Identifiers: ClinVar variation 759048 (VCV000759048.11), dbSNP rs1555614832, ClinGen allele CA499232233.

ClinVar aggregate classification (germline): Benign/Likely benign. Review status: criteria provided, multiple submitters, no conflicts (2 of 4 stars). 4 submissions from 4 submitters: Benign (1); Likely benign (3). Last evaluated 2026-05-20.

Conditions:
Neurofibromatosis, type 1 (NF1). Also called: Neurofibromatosis, type I; NEUROFIBROMATOSIS, TYPE I, SOMATIC; VON RECKLINGHAUSEN DISEASE; Peripheral type neurofibromatosis. Identifiers: Orphanet 636, MedGen C0027831, MONDO:0018975, OMIM 162200. Disease mechanism: loss of function.
Hereditary cancer-predisposing syndrome. Also called: Hereditary Cancer Syndrome; Tumor predisposition; Hereditary neoplastic syndrome; Neoplastic Syndromes, Hereditary. Identifiers: Orphanet 140162, MedGen C0027672, MeSH D009386, MONDO:0015356.
Cardiovascular phenotype. Identifiers: MedGen CN230736.

Allele frequency attached by ClinVar (database versions not stated): gnomAD exomes below 0.00001.
gnomAD v4.1: 1 of 1,353,066 alleles (0.000074%); highest among the groups gnomAD compares: Non-Finnish European, 0.0001%; no homozygotes.

Submissions (4):

Myriad Genetics, Inc.
Classification: Benign for Neurofibromatosis, type 1. Last evaluated: 2026-05-20. Review status: criteria provided, single submitter. Criteria: Myriad Autosomal Dominant, Autosomal Recessive and X-Linked Classification Criteria (2023). Collection method: clinical testing. Allele origin: unknown.
Comment: This variant is considered benign. This variant is a silent/synonymous amino acid change and it is not expected to impact splicing.

CeGaT Center for Human Genetics Tuebingen
Classification: Likely benign. Last evaluated: 2026-04-01. Review status: criteria provided, single submitter. Criteria: CeGaT Center For Human Genetics Tuebingen Variant Classification Criteria Version 2. Collection method: clinical testing. Allele origin: germline. Affected: yes. Observed: 2 variant alleles.
Comment: NF1: BP4

Labcorp Genetics (formerly Invitae), Labcorp
Classification: Likely benign for Neurofibromatosis, type 1. Last evaluated: 2025-11-22. Review status: criteria provided, single submitter. Criteria: Invitae Variant Classification Sherloc (09022015). Collection method: clinical testing. Allele origin: germline.

Ambry Genetics
Classification: Likely benign for Cardiovascular phenotype; Hereditary cancer-predisposing syndrome. Last evaluated: 2020-05-08. Review status: criteria provided, single submitter. Criteria: Ambry Variant Classification Scheme 2023. Collection method: clinical testing. Allele origin: germline.